The following is an entry in ClinVar:

ClinVar aggregate classification (germline): Uncertain significance. Review status: criteria provided, multiple submitters, no conflicts (2 of 4 stars). 5 submissions from 5 submitters: Uncertain significance (5). Last evaluated 2025-12-01.

Conditions:
RYR1-related disorder. Also called: RYR1-related disorders; RYR1-related condition. Identifiers: MedGen CN239331.
Malignant hyperthermia, susceptibility to, 1 (MHS1). Also called: RYR1-Related Malignant Hyperthermia Susceptibility; Malignant hyperthermia suceptibility 1; Anesthesia related hyperthermia; Malignant hyperpyrexia; Fulminating hyperpyrexia; Pharmacogenic myopathy. Identifiers: Orphanet 423, MedGen C2930980, MONDO:0007783, OMIM 145600.

Allele frequency attached by ClinVar (database versions not stated): ExAC 0.00001; gnomAD 0.00001; TOPMed 0.00001; gnomAD exomes 0.00002; 1000 Genomes Project 30x 0.00016; 1000 Genomes Project 0.00020.

Submissions (5):

CeGaT Center for Human Genetics Tuebingen
Classification: Uncertain significance. Last evaluated: 2025-12-01. Review status: criteria provided, single submitter. Criteria: CeGaT Center For Human Genetics Tuebingen Variant Classification Criteria Version 2. Collection method: clinical testing. Allele origin: germline. Affected: yes. Observed: 3 variant alleles.
Comment: RYR1: PM2, PM3, PP3

Blueprint Genetics
Classification: Uncertain significance. Last evaluated: 2024-02-21. Review status: criteria provided, single submitter. Criteria: ACMG Guidelines, 2015. Collection method: clinical testing. Allele origin: germline.

All of Us Research Program, National Institutes of Health
Classification: Uncertain significance for Malignant hyperthermia, susceptibility to, 1. Last evaluated: 2023-04-27. Review status: criteria provided, single submitter. Criteria: ACMG Guidelines, 2015. Collection method: clinical testing. Allele origin: germline. Inheritance: Autosomal dominant inheritance. Observed: 1 variant allele, 1 heterozygote.
Comment: This study involves interpretation of variants in research participants for the purpose of population health screening. Participant phenotype was not available at the time of variant classification. Additional details can be found in publication PMID: 35346344, PMCID: PMC8962531

Labcorp Genetics (formerly Invitae), Labcorp
Classification: Uncertain significance for RYR1-related disorder. Last evaluated: 2022-12-26. Review status: criteria provided, single submitter. Criteria: Invitae Variant Classification Sherloc (09022015). Collection method: clinical testing. Allele origin: germline.
Comment: Advanced modeling of protein sequence and biophysical properties (such as structural, functional, and spatial information, amino acid conservation, physicochemical variation, residue mobility, and thermodynamic stability) performed at Invitae indicates that this missense variant is expected to disrupt RYR1 protein function. In summary, the available evidence is currently insufficient to determine the role of this variant in disease. Therefore, it has been classified as a Variant of Uncertain Significance. ClinVar contains an entry for this variant (Variation ID: 590387). This missense change has been observed in individual(s) with clinical features of autosomal recessive RYR1-related conditions (PMID: 30611313). This variant is present in population databases (rs539201276, gnomAD 0.02%). This sequence change replaces glutamic acid, which is acidic and polar, with lysine, which is basic and polar, at codon 39 of the RYR1 protein (p.Glu39Lys).

PreventionGenetics, part of Exact Sciences
Classification: Uncertain significance. Last evaluated: 2013-10-15. Review status: criteria provided, single submitter. Criteria: ACMG Guidelines, 2015. Collection method: clinical testing. Allele origin: germline.

Literature cited by the submitters: PubMed 30611313 (cited by Labcorp Genetics (formerly Invitae), Labcorp).

NM_000540.3(RYR1):c.115G>A (p.Glu39Lys)

Gene: RYR1 (ryanodine receptor 1; plus strand). Cytogenetic location: 19q13.2.
Variant type: single nucleotide variant.
Coding change: c.115G>A on transcript NM_000540.3 (MANE Select); coding-DNA position 115, G replaced by A.
Protein change: p.Glu39Lys; replaces glutamic acid 39 with lysine.
Molecular consequence: missense variant.
Genome position (GRCh38, 1-based): chr19:38,440,814, G>A. VCF-style: chr19-38440814-G-A. GRCh37 (hg19) VCF-style: chr19-38931454-G-A.
Other names: c.115G>A, p.Glu39Lys (NM_001042723.2); short protein forms E39K.
Identifiers: ClinVar variation 590387 (VCV000590387.29), dbSNP rs539201276, ClinGen allele CA057347.
Genomic context (GRCh38, chr19:38,440,814, plus strand): 5'-GTGGTCCTGCAGTGCAGCGCTACCGTGCTCAAGGAGCAGCTCAAGCTCTGCCTGGCCGCC[G>A]AGGGCTTCGGCAACCGCCTGTGCTTCCTGGAGCCCACTAGCAACGCGCAGGTCTGTGCAG-3'
Protein context (NP_000531.2, residues 29-49): KEQLKLCLAA[Glu39Lys]GFGNRLCFLE